The following is an entry in ClinVar:

ClinVar aggregate classification (germline): Uncertain significance (1 of 4 stars; one submission).

Submission:

GeneDx
Classification: Uncertain significance. Last evaluated: 2024-11-22. Review status: criteria provided, single submitter. Criteria: GeneDx Variant Classification Process June 2021. Collection method: clinical testing. Allele origin: germline. Affected: yes.
Comment: Not observed at significant frequency in large population cohorts (gnomAD); In silico analysis indicates that this missense variant does not alter protein structure/function; Has not been previously published as pathogenic or benign to our knowledge

NM_198253.3(TERT):c.2421C>A (p.Asp807Glu)

Gene: TERT (telomerase reverse transcriptase; minus strand). Cytogenetic location: 5p15.33.
Variant type: single nucleotide variant.
Coding change: c.2421C>A on transcript NM_198253.3 (MANE Select); coding-DNA position 2421, C replaced by A.
Protein change: p.Asp807Glu; replaces aspartic acid 807 with glutamic acid.
Molecular consequence: missense variant.
Genome position (GRCh38, 1-based): chr5:1,271,166, G>T on the plus strand (C>A on the coding strand, the complement: TERT is on the minus strand). VCF-style: chr5-1271166-G-T. GRCh37 (hg19) VCF-style: chr5-1271281-G-T.
Other names: c.2421C>A, p.Asp807Glu (NM_001193376.3); short protein forms D807E.
Identifiers: ClinVar variation 3900115 (VCV003900115.1).
Genomic context (GRCh38, chr5:1,271,166, plus strand): 5'-CCACCTGACTCACTTGCCCCTGATGCGCACGGCGTGGTGGCACATGAAGCGTAGGAAGAC[G>T]TCGAAGAGGCCACTGCTGGCCTCATTCAGGGAGGAGCTCTGCGAAAGCAGACGGGAGACA-3'
Protein context (NP_937983.2, residues 797-817): SLNEASSGLF[Asp807Glu]VFLRFMCHHA